The following is an entry in ClinVar:

NM_000297.4(PKD2):c.1144A>C (p.Ile382Leu)

Gene: PKD2 (polycystin 2, transient receptor potential cation channel; plus strand). Cytogenetic location: 4q22.1.
Variant type: single nucleotide variant.
Coding change: c.1144A>C on transcript NM_000297.4 (MANE Select); coding-DNA position 1144, A replaced by C.
Protein change: p.Ile382Leu; replaces isoleucine 382 with leucine.
Molecular consequence: missense variant. On other transcripts: non-coding transcript variant (1).
Genome position (GRCh38, 1-based): chr4:88,043,282, A>C. VCF-style: chr4-88043282-A-C. GRCh37 (hg19) VCF-style: chr4-88964434-A-C.
Other names: c.1144A>C (NM_000297.3); short protein forms I382L.
Identifiers: ClinVar variation 2717828 (VCV002717828.5), dbSNP rs760492200, ClinGen allele CA3003897.

ClinVar aggregate classification (germline): Uncertain significance. Review status: criteria provided, multiple submitters, no conflicts (2 of 4 stars). 3 submissions from 3 submitters: Uncertain significance (3). Last evaluated 2025-09-30.

Conditions:
Inborn genetic diseases. Identifiers: MedGen C0950123, MeSH D030342.
Polycystic kidney disease 2 (PKD2). Also called: POLYCYSTIC KIDNEY DISEASE, ADULT, TYPE II; POLYCYSTIC KIDNEY DISEASE 2 WITH OR WITHOUT POLYCYSTIC LIVER DISEASE; Polycystic Kidney Disease 2, Autosomal Dominant. Identifiers: MedGen C2751306, MONDO:0013131, OMIM 613095.
Autosomal dominant polycystic kidney disease. Identifiers: Orphanet 730, MedGen C0085413, MONDO:0004691.

Allele frequency attached by ClinVar (database versions not stated): gnomAD exomes below 0.00001; TOPMed below 0.00001; gnomAD 0.00001; ExAC 0.00002.
gnomAD v4.1: 12 of 1,613,572 alleles (0.00074%); highest among the groups gnomAD compares: East Asian, 0.013%; no homozygotes.

Submissions (3):

Labcorp Genetics (formerly Invitae), Labcorp
Classification: Uncertain significance for Autosomal dominant polycystic kidney disease. Last evaluated: 2025-09-30. Review status: criteria provided, single submitter. Criteria: Invitae Variant Classification Sherloc (09022015). Collection method: clinical testing. Allele origin: germline.
Comment: This sequence change replaces isoleucine, which is neutral and non-polar, with leucine, which is neutral and non-polar, at codon 382 of the PKD2 protein (p.Ile382Leu). This variant is present in population databases (rs760492200, gnomAD 0.02%). This variant has not been reported in the literature in individuals affected with PKD2-related conditions. ClinVar contains an entry for this variant (Variation ID: 2717828). Invitae Evidence Modeling of protein sequence and biophysical properties (such as structural, functional, and spatial information, amino acid conservation, physicochemical variation, residue mobility, and thermodynamic stability) indicates that this missense variant is not expected to disrupt PKD2 protein function with a negative predictive value of 80%. In summary, the available evidence is currently insufficient to determine the role of this variant in disease. Therefore, it has been classified as a Variant of Uncertain Significance.

Ambry Genetics
Classification: Uncertain significance for Inborn genetic diseases. Last evaluated: 2025-08-13. Review status: criteria provided, single submitter. Criteria: Ambry Variant Classification Scheme 2023. Collection method: clinical testing. Allele origin: germline.

Fulgent Genetics
Classification: Uncertain significance for Polycystic kidney disease 2. Last evaluated: 2024-05-22. Review status: criteria provided, single submitter. Criteria: ACMG Guidelines, 2015. Collection method: clinical testing. Allele origin: germline.